The following is an entry in ClinVar:

ClinVar aggregate classification (germline): Benign. Review status: criteria provided, multiple submitters, no conflicts (2 of 4 stars). 2 submissions from 2 submitters: Benign (2). Last evaluated 2016-03-29.

Allele frequency attached by ClinVar (database versions not stated): ESP Exome Variant Server 0.38167; gnomAD 0.42205 and 0.42796; TOPMed 0.45494; 1000 Genomes Project 30x 0.55965; 1000 Genomes Project 0.56330.
gnomAD v4.1: 607,843 of 1,611,518 alleles (38%); highest among the groups gnomAD compares: East Asian, 91%; 126,366 homozygotes.

Submissions (2):

Laboratory for Molecular Medicine, Mass General Brigham Personalized Medicine
Classification: Benign. Last evaluated: 2016-03-29. Review status: criteria provided, single submitter. Criteria: LMM Criteria. Collection method: clinical testing. Allele origin: germline.
Comment: Variant identified in a genome or exome case(s) and assessed due to predicted null impact of the variant or pathogenic assertions in the literature or databases. Disclaimer: This variant has not undergone full assessment. The following are preliminary notes: Frequency

Breakthrough Genomics
Classification: Benign. Review status: criteria provided, single submitter. Criteria: ACMG Guidelines, 2015. Collection method: not provided. Allele origin: germline. Inheritance: Unknown mechanism. Affected: yes.

NM_001330542.2(HEXD):c.433A>G (p.Ile145Val)

Gene: HEXD (hexosaminidase D; plus strand). Cytogenetic location: 17q25.3.
Variant type: single nucleotide variant.
Coding change: c.433A>G on transcript NM_001330542.2 (MANE Select); coding-DNA position 433, A replaced by G.
Protein change: p.Ile145Val; replaces isoleucine 145 with valine.
Molecular consequence: missense variant.
Genome position (GRCh38, 1-based): chr17:82,433,808, A>G. VCF-style: chr17-82433808-A-G. GRCh37 (hg19) VCF-style: chr17-80391684-A-G.
Other names: c.157A>G, p.Ile53Val (NM_001369487.1, NM_001369488.1); c.433A>G, p.Ile145Val (NM_173620.3); short protein forms I145V, I53V.
Identifiers: ClinVar variation 402933 (VCV000402933.5), dbSNP rs4789773, ClinGen allele CA8857459.